The following is an entry in ClinVar:

NM_000540.3(RYR1):c.4504C>G (p.Pro1502Ala)

Gene: RYR1 (ryanodine receptor 1; plus strand). Cytogenetic location: 19q13.2.
Variant type: single nucleotide variant.
Coding change: c.4504C>G on transcript NM_000540.3 (MANE Select); coding-DNA position 4504, C replaced by G.
Protein change: p.Pro1502Ala; replaces proline 1502 with alanine.
Molecular consequence: missense variant.
Genome position (GRCh38, 1-based): chr19:38,478,484, C>G. VCF-style: chr19-38478484-C-G. GRCh37 (hg19) VCF-style: chr19-38969124-C-G.
Other names: c.4504C>G, p.Pro1502Ala (NM_001042723.2); short protein forms P1502A.
Identifiers: ClinVar variation 3072756 (VCV003072756.1), dbSNP rs2514184603, ClinGen allele CA405647218.

ClinVar aggregate classification (germline): Uncertain significance (1 of 4 stars; one submission).

Conditions:
Malignant hyperthermia, susceptibility to, 1 (MHS1). Also called: Anesthesia related hyperthermia; Malignant hyperpyrexia; Fulminating hyperpyrexia; Pharmacogenic myopathy; RYR1-Related Malignant Hyperthermia Susceptibility; Malignant hyperthermia suceptibility 1. Identifiers: Orphanet 423, MedGen C2930980, MONDO:0007783, OMIM 145600.

Submission:

All of Us Research Program, National Institutes of Health
Classification: Uncertain significance for Malignant hyperthermia, susceptibility to, 1. Last evaluated: 2023-08-15. Review status: criteria provided, single submitter. Criteria: ACMG Guidelines, 2015. Collection method: clinical testing. Allele origin: germline. Inheritance: Autosomal dominant inheritance. Observed: 1 variant allele, 1 heterozygote.
Comment: This missense variant replaces proline with alanine at codon 1502 of the RYR1 protein. Computational prediction suggests that this variant may not impact protein structure and function (internally defined REVEL score threshold <= 0.5, PMID: 27666373). To our knowledge, functional studies have not been reported for this variant. This variant has not been reported in individuals affected with RYR1-related disorders in the literature. This variant has not been identified in the general population by the Genome Aggregation Database (gnomAD). The available evidence is insufficient to determine the role of this variant in disease conclusively. Therefore, this variant is classified as a Variant of Uncertain Significance.

This study involves interpretation of variants in research participants for the purpose of population health screening. Participant phenotype was not available at the time of variant classification. Additional details can be found in publication PMID: 35346344, PMCID: PMC8962531